The following is an entry in ClinVar:

ClinVar aggregate classification (germline): Uncertain significance (1 of 4 stars; one submission).

Allele frequency attached by ClinVar (database versions not stated): gnomAD exomes below 0.00001.
gnomAD v4.1: 2 of 1,613,938 alleles (0.00012%); highest among the groups gnomAD compares: Non-Finnish European, 0.00017%; no homozygotes.

Submission:

Labcorp Genetics (formerly Invitae), Labcorp
Classification: Uncertain significance. Last evaluated: 2023-11-27. Review status: criteria provided, single submitter. Criteria: Invitae Variant Classification Sherloc (09022015). Collection method: clinical testing. Allele origin: germline.
Comment: This sequence change replaces threonine, which is neutral and polar, with arginine, which is basic and polar, at codon 996 of the AP3B2 protein (p.Thr996Arg). This variant is present in population databases (rs554207048, gnomAD 0.0009%). This variant has not been reported in the literature in individuals affected with AP3B2-related conditions. ClinVar contains an entry for this variant (Variation ID: 1378480). An algorithm developed to predict the effect of missense changes on protein structure and function (PolyPhen-2) suggests that this variant is likely to be disruptive. In summary, the available evidence is currently insufficient to determine the role of this variant in disease. Therefore, it has been classified as a Variant of Uncertain Significance.

NM_001278512.2(AP3B2):c.3044C>G (p.Thr1015Arg)

Genes: AP3B2 (adaptor related protein complex 3 subunit beta 2; minus strand), CPEB1-AS1 (CPEB1 antisense RNA 1; plus strand). Cytogenetic location: 15q25.2.
Variant type: single nucleotide variant.
Coding change: c.3044C>G on transcript NM_001278512.2 (MANE Select); coding-DNA position 3044, C replaced by G.
Protein change: p.Thr1015Arg; replaces threonine 1015 with arginine.
Molecular consequence: missense variant.
Genome position (GRCh38, 1-based): chr15:82,659,956, G>C on the plus strand (C>G on the coding strand, the complement: AP3B2 is on the minus strand). VCF-style: chr15-82659956-G-C. GRCh37 (hg19) VCF-style: chr15-83328708-G-C.
Other names: c.2891C>G, p.Thr964Arg (NM_001278511.2); c.176C>G, p.Thr59Arg (NM_001348441.2); c.2987C>G, p.Thr996Arg (NM_004644.5); short protein forms T59R, T996R, T1015R, T964R.
Identifiers: ClinVar variation 1378480 (VCV001378480.6), dbSNP rs554207048, ClinGen allele CA273478625.